The following is an entry in ClinVar:

ClinVar aggregate classification (germline): Uncertain significance. Review status: criteria provided, multiple submitters, no conflicts (2 of 4 stars). 5 submissions from 5 submitters: Uncertain significance (5). Last evaluated 2024-10-16.

Conditions:
Hereditary cancer-predisposing syndrome. Also called: Neoplastic Syndromes, Hereditary; Tumor predisposition; Hereditary Cancer Syndrome; Hereditary neoplastic syndrome. Identifiers: Orphanet 140162, MedGen C0027672, MeSH D009386, MONDO:0015356.
Retinoblastoma (RB1). Also called: RETINOBLASTOMA, SOMATIC. Identifiers: Orphanet 790, MedGen C0035335, MeSH D012175, MONDO:0008380, OMIM 180200, HP:0009919. Disease mechanism: loss of function. Inheritance: Both sporadic and heritable forms are tested..

Allele frequency attached by ClinVar (database versions not stated): gnomAD exomes below 0.00001; gnomAD 0.00001; TOPMed 0.00001.
gnomAD v4.1: 3 of 1,613,934 alleles (0.00019%); highest among the groups gnomAD compares: African/African-American, 0.0013%; no homozygotes.

Submissions (5):

Labcorp Genetics (formerly Invitae), Labcorp
Classification: Uncertain significance for Retinoblastoma. Last evaluated: 2024-10-16. Review status: criteria provided, single submitter. Criteria: Invitae Variant Classification Sherloc (09022015). Collection method: clinical testing. Allele origin: germline.
Comment: This sequence change replaces glutamine, which is neutral and polar, with arginine, which is basic and polar, at codon 689 of the RB1 protein (p.Gln689Arg). This variant is not present in population databases (gnomAD no frequency). This variant has not been reported in the literature in individuals affected with RB1-related conditions. ClinVar contains an entry for this variant (Variation ID: 458139). Invitae Evidence Modeling of protein sequence and biophysical properties (such as structural, functional, and spatial information, amino acid conservation, physicochemical variation, residue mobility, and thermodynamic stability) indicates that this missense variant is not expected to disrupt RB1 protein function with a negative predictive value of 80%. In summary, the available evidence is currently insufficient to determine the role of this variant in disease. Therefore, it has been classified as a Variant of Uncertain Significance.

All of Us Research Program, National Institutes of Health
Classification: Uncertain significance for Retinoblastoma. Last evaluated: 2023-12-13. Review status: criteria provided, single submitter. Criteria: ACMG Guidelines, 2015. Collection method: clinical testing. Allele origin: germline. Inheritance: Autosomal dominant inheritance. Observed: 1 variant allele, 1 heterozygote.
Comment: This missense variant replaces glutamine with arginine at codon 689 of the RB1 protein. Computational prediction is inconclusive regarding the impact of this variant on protein structure and function (internally defined REVEL score threshold 0.5 < inconclusive < 0.7, PMID: 27666373). To our knowledge, functional studies have not been reported for this variant. This variant has not been reported in individuals affected with RB1-related disorders in the literature. This variant has not been identified in the general population by the Genome Aggregation Database (gnomAD). The available evidence is insufficient to determine the role of this variant in disease conclusively. Therefore, this variant is classified as a Variant of Uncertain Significance.

This study involves interpretation of variants in research participants for the purpose of population health screening. Participant phenotype was not available at the time of variant classification. Additional details can be found in publication PMID: 35346344, PMCID: PMC8962531

Ambry Genetics
Classification: Uncertain significance for Hereditary cancer-predisposing syndrome. Last evaluated: 2023-11-16. Review status: criteria provided, single submitter. Criteria: Ambry Variant Classification Scheme 2023. Collection method: clinical testing. Allele origin: germline.
Comment: The p.Q689R variant (also known as c.2066A>G), located in coding exon 20 of the RB1 gene, results from an A to G substitution at nucleotide position 2066. The glutamine at codon 689 is replaced by arginine, an amino acid with highly similar properties. This amino acid position is highly conserved in available vertebrate species. In addition, the in silico prediction for this alteration is inconclusive. Since supporting evidence is limited at this time, the clinical significance of this alteration remains unclear.

Color Diagnostics, LLC DBA Color Health
Classification: Uncertain significance for Retinoblastoma. Last evaluated: 2023-11-08. Review status: criteria provided, single submitter. Criteria: ACMG Guidelines, 2015. Collection method: clinical testing. Allele origin: germline.
Comment: This missense variant replaces glutamine with arginine at codon 689 of the RB1 protein. Computational prediction is inconclusive regarding the impact of this variant on protein structure and function. To our knowledge, functional studies have not been reported for this variant. This variant has not been reported in individuals affected with RB1-related disorders in the literature. This variant has not been identified in the general population by the Genome Aggregation Database (gnomAD). The available evidence is insufficient to determine the role of this variant in disease conclusively. Therefore, this variant is classified as a Variant of Uncertain Significance.

GeneDx
Classification: Uncertain significance. Last evaluated: 2023-05-21. Review status: criteria provided, single submitter. Criteria: GeneDx Variant Classification Process June 2021. Collection method: clinical testing. Allele origin: germline. Affected: yes.
Comment: Not observed at significant frequency in large population cohorts (gnomAD); In silico analysis supports that this missense variant does not alter protein structure/function; Has not been previously published as pathogenic or benign to our knowledge; This variant is associated with the following publications: (PMID: 29604063, 23516486, Day alan_2006_Review)

NM_000321.3(RB1):c.2066A>G (p.Gln689Arg)

Gene: RB1 (RB transcriptional corepressor 1; plus strand). Cytogenetic location: 13q14.2.
Variant type: single nucleotide variant.
Coding change: c.2066A>G on transcript NM_000321.3 (MANE Select); coding-DNA position 2066, A replaced by G.
Protein change: p.Gln689Arg; replaces glutamine 689 with arginine.
Molecular consequence: missense variant.
Genome position (GRCh38, 1-based): chr13:48,459,793, A>G. VCF-style: chr13-48459793-A-G. GRCh37 (hg19) VCF-style: chr13-49033929-A-G.
Other names: short protein forms Q689R.
Identifiers: ClinVar variation 458139 (VCV000458139.15), dbSNP rs1447082021, ClinGen allele CA388166884.